The following is an entry in ClinVar:

NM_014423.4(AFF4):c.3320C>T (p.Thr1107Ile)

Gene: AFF4 (ALF transcription elongation factor 4; minus strand). Cytogenetic location: 5q31.1.
Variant type: single nucleotide variant.
Coding change: c.3320C>T on transcript NM_014423.4 (MANE Select); coding-DNA position 3320, C replaced by T.
Protein change: p.Thr1107Ile; replaces threonine 1107 with isoleucine.
Molecular consequence: missense variant.
Genome position (GRCh38, 1-based): chr5:132,883,384, G>A on the plus strand (C>T on the coding strand, the complement: AFF4 is on the minus strand). VCF-style: chr5-132883384-G-A. GRCh37 (hg19) VCF-style: chr5-132219076-G-A.
Other names: c.3320C>T (NM_014423.3); short protein forms T1107I.
Identifiers: ClinVar variation 1907848 (VCV001907848.6), dbSNP rs1278992253, ClinGen allele CA360966915.

ClinVar aggregate classification (germline): Uncertain significance. Review status: criteria provided, single submitter (1 of 4 stars). 2 submissions from 2 submitters: Uncertain significance (1). 1 of the submissions does not count toward it. Last evaluated 2025-03-17.

Conditions:
Cognitive impairment - coarse facies - heart defects - obesity - pulmonary involvement - short stature - skeletal dysplasia syndrome. Also called: Chops syndrome; AFF4-Related CHOPS Syndrome; COGNITIVE IMPAIRMENT, COARSE FACIES, HEART DEFECTS, OBESITY, PULMONARY INVOLVEMENT, SHORT STATURE, AND SKELETAL DYSPLASIA. Identifiers: Orphanet 444077, MedGen C4085597, MONDO:0014609, OMIM 616368.
AFF4-related disorder. Also called: AFF4-related condition.

Allele frequency attached by ClinVar (database versions not stated): gnomAD 0.00001.
gnomAD v4.1: 1 of 1,613,862 alleles (0.000062%); highest among the groups gnomAD compares: Non-Finnish European, 0.000085%; no homozygotes.

Submissions (2):

Labcorp Genetics (formerly Invitae), Labcorp
Classification: Uncertain significance for Cognitive impairment - coarse facies - heart defects - obesity - pulmonary involvement - short stature - skeletal dysplasia syndrome. Last evaluated: 2025-03-17. Review status: criteria provided, single submitter. Criteria: Invitae Variant Classification Sherloc (09022015). Collection method: clinical testing. Allele origin: germline.
Comment: This sequence change replaces threonine, which is neutral and polar, with isoleucine, which is neutral and non-polar, at codon 1107 of the AFF4 protein (p.Thr1107Ile). This variant is present in population databases (no rsID available, gnomAD 0.0009%). This variant has not been reported in the literature in individuals affected with AFF4-related conditions. ClinVar contains an entry for this variant (Variation ID: 1907848). Invitae Evidence Modeling of protein sequence and biophysical properties (such as structural, functional, and spatial information, amino acid conservation, physicochemical variation, residue mobility, and thermodynamic stability) indicates that this missense variant is not expected to disrupt AFF4 protein function with a negative predictive value of 80%. In summary, the available evidence is currently insufficient to determine the role of this variant in disease. Therefore, it has been classified as a Variant of Uncertain Significance.

PreventionGenetics, part of Exact Sciences
Classification: Uncertain significance for AFF4-related condition. Last evaluated: 2024-01-05. Review status: no assertion criteria provided. Collection method: clinical testing. Allele origin: germline. Not counted in ClinVar's aggregate classification.
Comment: The AFF4 c.3320C>T variant is predicted to result in the amino acid substitution p.Thr1107Ile. To our knowledge, this variant has not been reported in the literature. This variant is reported in 0.0065% of alleles in individuals of European (Non-Finnish) descent in gnomAD. At this time, the clinical significance of this variant is uncertain due to the absence of conclusive functional and genetic evidence.